The following is an entry in ClinVar:

ClinVar aggregate classification (germline): Uncertain significance (1 of 4 stars; one submission).

Conditions:
SNAP25-related developmental delays and epileptic encephalopathies.

Submission:

3billion
Classification: Uncertain significance for SNAP25-related developmental delays and epileptic encephalopathies. Last evaluated: 2024-01-19. Review status: criteria provided, single submitter. Criteria: ACMG Guidelines, 2015. Collection method: clinical testing. Allele origin: germline. Affected: yes.
Comment: The variant is not observed in the gnomAD v2.1.1 dataset. Predicted Consequence/Location: Missense changes are a common disease-causing mechanism. In silico tool predictions suggest damaging effect of the variant on gene or gene product [REVEL: 0.74 (>=0.6, sensitivity 0.68 and specificity 0.92); 3Cnet: 0.91 (>=0.6, sensitivity 0.72 and precision 0.9)]. A different missense change at the same codon (p.Gly43Arg) has been reported to be associated with SNAP25 related disorder (ClinVar ID: VCV001285516). However the evidence of pathogenicity is insufficient at this time. Therefore, this variant is classified as VUS according to the recommendation of ACMG/AMP guideline.

NM_130811.4(SNAP25):c.127G>T (p.Gly43Cys)

Gene: SNAP25 (synaptosome associated protein 25; plus strand). Cytogenetic location: 20p12.2.
Variant type: single nucleotide variant.
Coding change: c.127G>T on transcript NM_130811.4 (MANE Select); coding-DNA position 127, G replaced by T.
Protein change: p.Gly43Cys; replaces glycine 43 with cysteine.
Molecular consequence: missense variant.
Genome position (GRCh38, 1-based): chr20:10,284,736, G>T. VCF-style: chr20-10284736-G-T. GRCh37 (hg19) VCF-style: chr20-10265384-G-T.
Other names: c.127G>T, p.Gly43Cys (NM_001322902.2, NM_001322903.2, NM_001322904.2 and 9 more transcripts); short protein forms G43C.
Identifiers: ClinVar variation 3775860 (VCV003775860.1).